The following is an entry in ClinVar:

NM_000031.6(ALAD):c.940A>G (p.Ile314Val)

Gene: ALAD (aminolevulinate dehydratase; minus strand). Cytogenetic location: 9q32.
Variant type: single nucleotide variant.
Coding change: c.940A>G on transcript NM_000031.6 (MANE Select); coding-DNA position 940, A replaced by G.
Protein change: p.Ile314Val; replaces isoleucine 314 with valine.
Molecular consequence: missense variant.
Genome position (GRCh38, 1-based): chr9:113,388,353, T>C on the plus strand (A>G on the coding strand, the complement: ALAD is on the minus strand). VCF-style: chr9-113388353-T-C. GRCh37 (hg19) VCF-style: chr9-116150633-T-C.
Other names: c.1027A>G, p.Ile343Val (NM_001003945.3); c.916A>G, p.Ile306Val (NM_001317745.2); short protein forms I314V, I343V, I306V.
Identifiers: ClinVar variation 364640 (VCV000364640.10), dbSNP rs557510313, ClinGen allele CA5196290.

ClinVar aggregate classification (germline): Conflicting classifications of pathogenicity. Review status: criteria provided, conflicting classifications (1 of 4 stars). 3 submissions from 3 submitters: Uncertain significance (2); Likely benign (1). Last evaluated 2025-12-02.

Conditions:
Porphobilinogen synthase deficiency. Also called: ALAD DEFICIENCY; DELTA-AMINOLEVULINATE DEHYDRATASE DEFICIENCY; DOSS PORPHYRIA; PORPHYRIA, ALAD; Porphyria due to ALA dehydratase deficiency. Identifiers: Orphanet 100924, MedGen C0268328, MONDO:0013000, OMIM 612740.
ALAD-related disorder. Also called: ALAD-related condition.

Allele frequency attached by ClinVar (database versions not stated): gnomAD exomes 0.00009 and 0.00034; TOPMed 0.00019; 1000 Genomes Project 0.00060; gnomAD 0.00011 and 0.00013; 1000 Genomes Project 30x 0.00047; ExAC 0.00022.
gnomAD v4.1: 142 of 1,613,982 alleles (0.0088%); highest among the groups gnomAD compares: Admixed American, 0.15%; 1 homozygote.

Submissions (3):

PreventionGenetics, part of Exact Sciences
Classification: Likely benign for ALAD-related condition. Last evaluated: 2025-12-02. Review status: criteria provided, single submitter. Criteria: ACMG Guidelines, 2015. Collection method: clinical testing. Allele origin: germline.
Comment: This variant is classified as likely benign based on ACMG/AMP sequence variant interpretation guidelines (Richards et al. 2015 PMID: 25741868, with internal and published modifications).

Labcorp Genetics (formerly Invitae), Labcorp
Classification: Uncertain significance. Last evaluated: 2024-06-03. Review status: criteria provided, single submitter. Criteria: Invitae Variant Classification Sherloc (09022015). Collection method: clinical testing. Allele origin: germline.
Comment: This sequence change replaces isoleucine, which is neutral and non-polar, with valine, which is neutral and non-polar, at codon 314 of the ALAD protein (p.Ile314Val). This variant is present in population databases (rs557510313, gnomAD 0.2%). This variant has not been reported in the literature in individuals affected with ALAD-related conditions. ClinVar contains an entry for this variant (Variation ID: 364640). Advanced modeling of protein sequence and biophysical properties (such as structural, functional, and spatial information, amino acid conservation, physicochemical variation, residue mobility, and thermodynamic stability) performed at Invitae indicates that this missense variant is not expected to disrupt ALAD protein function with a negative predictive value of 80%. In summary, the available evidence is currently insufficient to determine the role of this variant in disease. Therefore, it has been classified as a Variant of Uncertain Significance.

Illumina Laboratory Services, Illumina
Classification: Uncertain significance for Porphobilinogen synthase deficiency. Last evaluated: 2018-01-12. Review status: criteria provided, single submitter. Criteria: ICSL Variant Classification Criteria 13 December 2019. Collection method: clinical testing. Allele origin: germline.